The following is an entry in ClinVar:

NM_006384.4(CIB1):c.235_239del (p.Thr79fs)

Gene: CIB1 (calcium and integrin binding 1; minus strand). Cytogenetic location: 15q26.1.
Variant type: Deletion.
Coding change: c.235_239del on transcript NM_006384.4 (MANE Select); coding-DNA positions 235 to 239, 5 bases deleted (ACATC; older notation c.235_239delACATC).
Protein change: p.Thr79fs; shifts the reading frame from threonine 79.
Molecular consequence: frameshift variant. On other transcripts: non-coding transcript variant (2).
Genome position (GRCh38, 1-based): chr15:90,231,464-90,231,468, GATGT deleted on the plus strand (ACATC on the coding strand, the reverse complement: CIB1 is on the minus strand); deleting any 5 consecutive bases within chr15:90,231,464-90,231,469 gives the same sequence; the c. name uses the placement nearest the transcript's 3' end. VCF-style (leftmost placement, unchanged base first): chr15-90231463-GGATGT-G. GRCh37 (hg19) VCF-style: chr15-90774695-GGATGT-G.
Other names: c.355_359del, p.Thr119fs (NM_001277764.2); short protein forms T119fs, T79fs.
Identifiers: ClinVar variation 4731614 (VCV004731614.1).

ClinVar aggregate classification (germline): Pathogenic (1 of 4 stars; one submission).

Submission:

Labcorp Genetics (formerly Invitae), Labcorp
Classification: Pathogenic. Last evaluated: 2025-11-20. Review status: criteria provided, single submitter. Criteria: Invitae Variant Classification Sherloc (09022015). Collection method: clinical testing. Allele origin: germline.
Comment: This sequence change creates a premature translational stop signal (p.Thr119Profs*7) in the CIB1 gene. It is expected to result in an absent or disrupted protein product. Loss-of-function variants in CIB1 are known to be pathogenic (PMID: 30068544). This variant is not present in population databases (gnomAD no frequency). This variant has not been reported in the literature in individuals affected with CIB1-related conditions. For these reasons, this variant has been classified as Pathogenic.

Literature cited by the submitters: PubMed 30068544.